The following is an entry in ClinVar:

NM_004614.5(TK2):c.361C>G (p.His121Asp)

Gene: TK2 (thymidine kinase 2; minus strand). Cytogenetic location: 16q21.
Variant type: single nucleotide variant.
Coding change: c.361C>G on transcript NM_004614.5 (MANE Select); coding-DNA position 361, C replaced by G.
Protein change: p.His121Asp; replaces histidine 121 with aspartic acid.
Molecular consequence: missense variant. On other transcripts: non-coding transcript variant (1).
Genome position (GRCh38, 1-based): chr16:66,531,394, G>C on the plus strand (C>G on the coding strand, the complement: TK2 is on the minus strand). VCF-style: chr16-66531394-G-C. GRCh37 (hg19) VCF-style: chr16-66565297-G-C.
Other names: c.268C>G, p.His90Asp (NM_001172643.1, NM_001271935.1); c.286C>G, p.His96Asp (NM_001172644.2); c.307C>G, p.His103Asp (NM_001172645.2); c.214C>G, p.His72Asp (NM_001271934.2); c.70C>G, p.His24Asp (NM_001272050.2); short protein forms H103D, H121D, H24D, H72D, H90D, H96D.
Identifiers: ClinVar variation 3778845 (VCV003778845.2).

ClinVar aggregate classification (germline): Likely pathogenic (1 of 4 stars; one submission).

Conditions:
Mitochondrial disease. Also called: Mitochondrial disorders; Mitochondrial disorder. Identifiers: Orphanet 68380, MedGen C0751651, MeSH D028361, MONDO:0044970.

Submission:

Genomenon, Inc
Classification: Likely pathogenic for Mitochondrial disease. Last evaluated: 2025-11-24. Review status: criteria provided, single submitter. Criteria: Genomenon Sequence Variant Interpretation Standards - Updated. Collection method: curation. Allele origin: germline. Affected: yes.
Comment: TK2 p.His121Asp (c.361C>G) is a missense variant that changes the amino acid at residue 121 from Histidine to Aspartic acid. This variant has been observed in a proband affected with mitochondrial disease in the compound heterozygous state (29602790). The presence of pathogenic/likely pathogenic missense variant(s) at the same amino acid position indicates that this residue is likely important for protein function. This variant is not present at a significant frequency in gnomAD and in silico models agree that this variant is possibly or probably damaging. In conclusion, we classify TK2 p.His121Asp (c.361C>G) as a likely pathogenic variant.

Literature cited by the submitters: PubMed 29602790.